The following is an entry in ClinVar:

NM_000782.5(CYP24A1):c.1259A>C (p.Gln420Pro)

Gene: CYP24A1 (cytochrome P450 family 24 subfamily A member 1; minus strand). Cytogenetic location: 20q13.2.
Variant type: single nucleotide variant.
Coding change: c.1259A>C on transcript NM_000782.5 (MANE Select); coding-DNA position 1259, A replaced by C.
Protein change: p.Gln420Pro; replaces glutamine 420 with proline.
Molecular consequence: missense variant. On other transcripts: intron variant (1).
Genome position (GRCh38, 1-based): chr20:54,157,563, T>G on the plus strand (A>C on the coding strand, the complement: CYP24A1 is on the minus strand). VCF-style: chr20-54157563-T-G. GRCh37 (hg19) VCF-style: chr20-52774102-T-G.
Other names: c.1237-274A>C (NM_001128915.2); short protein forms Q420P.
Identifiers: ClinVar variation 2005956 (VCV002005956.4), dbSNP rs2516346623, ClinGen allele CA409394702.

ClinVar aggregate classification (germline): Uncertain significance (1 of 4 stars; one submission).

Allele frequency attached by ClinVar (database versions not stated): gnomAD exomes below 0.00001.
gnomAD v4.1: 1 of 1,593,220 alleles (0.000063%); highest among the groups gnomAD compares: East Asian, 0.0022%; no homozygotes.

Submission:

Labcorp Genetics (formerly Invitae), Labcorp
Classification: Uncertain significance. Last evaluated: 2022-06-13. Review status: criteria provided, single submitter. Criteria: Invitae Variant Classification Sherloc (09022015). Collection method: clinical testing. Allele origin: germline.
Comment: This sequence change replaces glutamine, which is neutral and polar, with proline, which is neutral and non-polar, at codon 420 of the CYP24A1 protein (p.Gln420Pro). This variant is not present in population databases (gnomAD no frequency). This variant has not been reported in the literature in individuals affected with CYP24A1-related conditions. Advanced modeling of protein sequence and biophysical properties (such as structural, functional, and spatial information, amino acid conservation, physicochemical variation, residue mobility, and thermodynamic stability) performed at Invitae indicates that this missense variant is not expected to disrupt CYP24A1 protein function. Algorithms developed to predict the effect of sequence changes on RNA splicing suggest that this variant may disrupt the consensus splice site. In summary, the available evidence is currently insufficient to determine the role of this variant in disease. Therefore, it has been classified as a Variant of Uncertain Significance.